The following is an entry in ClinVar:

ClinVar aggregate classification (germline): Conflicting classifications of pathogenicity. Review status: criteria provided, conflicting classifications (1 of 4 stars). 4 submissions from 4 submitters: Uncertain significance (1); Benign (1); Likely benign (2). Last evaluated 2025-10-15.

Conditions:
Episodic ataxia type 2 (EA2). Also called: ACETAZOLAMIDE-RESPONSIVE HEREDITARY PAROXYSMAL CEREBELLAR ATAXIA; CEREBELLAR ATAXIA, PAROXYSMAL, ACETAZOLAMIDE-RESPONSIVE; CEREBELLOPATHY, HEREDITARY PAROXYSMAL; EPISODIC ATAXIA, NYSTAGMUS-ASSOCIATED; ATAXIA, EPISODIC, WITH NYSTAGMUS; ATAXIA, FAMILIAL PAROXYSMAL. Identifiers: Orphanet 97, MedGen C1720416, MONDO:0007163, OMIM 108500.
Developmental and epileptic encephalopathy, 42 (DEE42A). Also called: DEVELOPMENTAL AND EPILEPTIC ENCEPHALOPATHY 42A; EPILEPTIC ENCEPHALOPATHY, EARLY INFANTILE, 42A; Epileptic encephalopathy, early infantile, 42. Identifiers: MedGen C4310716, MONDO:0014917, OMIM 617106.
Inborn genetic diseases. Identifiers: MedGen C0950123, MeSH D030342.

Allele frequency attached by ClinVar (database versions not stated): ExAC below 0.00001; gnomAD 0.00016; TOPMed 0.00024; 1000 Genomes Project 30x 0.00031.
gnomAD v4.1: 71 of 1,535,224 alleles (0.0046%); highest among the groups gnomAD compares: African/African-American, 0.077%; 1 homozygote.

Submissions (4):

Labcorp Genetics (formerly Invitae), Labcorp
Classification: Benign for Developmental and epileptic encephalopathy, 42; Episodic ataxia type 2. Last evaluated: 2025-10-15. Review status: criteria provided, single submitter. Criteria: Invitae Variant Classification Sherloc (09022015). Collection method: clinical testing. Allele origin: germline.

Ambry Genetics
Classification: Likely benign for Inborn genetic diseases. Last evaluated: 2022-08-19. Review status: criteria provided, single submitter. Criteria: Ambry Variant Classification Scheme 2023. Collection method: clinical testing. Allele origin: germline.

GeneDx
Classification: Likely benign. Last evaluated: 2020-12-17. Review status: criteria provided, single submitter. Criteria: GeneDx Variant Classification Process June 2021. Collection method: clinical testing. Allele origin: germline. Affected: yes.
Comment: In silico analysis, which includes protein predictors and evolutionary conservation, supports a deleterious effect; Has not been previously published as pathogenic or benign to our knowledge

Eurofins Ntd Llc (ga)
Classification: Uncertain significance. Last evaluated: 2018-04-12. Review status: criteria provided, single submitter. Criteria: EGL ClinVar v180209 classification definitions. Collection method: clinical testing. Allele origin: germline. Observed: 1 variant allele, 1 heterozygote.

NM_001127222.2(CACNA1A):c.3016C>T (p.Arg1006Trp)

Gene: CACNA1A (calcium voltage-gated channel subunit alpha1 A; minus strand). Cytogenetic location: 19p13.13.
Variant type: single nucleotide variant.
Coding change: c.3016C>T on transcript NM_001127222.2 (MANE Select); coding-DNA position 3016, C replaced by T.
Protein change: p.Arg1006Trp; replaces arginine 1006 with tryptophan.
Molecular consequence: missense variant.
Genome position (GRCh38, 1-based): chr19:13,298,617, G>A on the plus strand (C>T on the coding strand, the complement: CACNA1A is on the minus strand). VCF-style: chr19-13298617-G-A. GRCh37 (hg19) VCF-style: chr19-13409431-G-A.
Other names: c.3028C>T, p.Arg1010Trp (NM_000068.4, NM_023035.3); c.3019C>T, p.Arg1007Trp (NM_001127221.2, NM_001174080.2); short protein forms R1007W, R1006W, R1010W.
Identifiers: ClinVar variation 574756 (VCV000574756.17), dbSNP rs757026025, ClinGen allele CA9240440.
Genomic context (GRCh38, chr19:13,298,617, plus strand): 5'-GCCTCCGCTCCTTGTCCTCCCTCCGCGCGTCCCCCTCGTACGTGGCTGGAGCGCCATGCC[G>A]GTGCCTTCTCCTGCGCTCGCCCCCGTCGGGGCCCTCGCCCTCGCCCTCGCCGCCCCGGGC-3'
Protein context (NP_001120694.1, residues 996-1016): PDGGERRRRH[Arg1006Trp]HGAPATYEGD